The following is an entry in ClinVar:

NM_000032.5(ALAS2):c.1567C>T (p.His523Tyr)

Gene: ALAS2 (5'-aminolevulinate synthase 2; minus strand). Cytogenetic location: Xp11.21.
Variant type: single nucleotide variant.
Coding change: c.1567C>T on transcript NM_000032.5 (MANE Select); coding-DNA position 1567, C replaced by T.
Protein change: p.His523Tyr; replaces histidine 523 with tyrosine.
Molecular consequence: missense variant.
Genome position (GRCh38, 1-based): chrX:55,013,519, G>A on the plus strand (C>T on the coding strand, the complement: ALAS2 is on the minus strand). VCF-style: chrX-55013519-G-A. GRCh37 (hg19) VCF-style: chrX-55039952-G-A.
Other names: c.1567C>T, p.His523Tyr (LRG_1163t1); c.1456C>T, p.His486Tyr (NM_001037967.4); c.1528C>T, p.His510Tyr (NM_001037968.4); short protein forms H523Y, H510Y, H486Y.
Identifiers: ClinVar variation 368592 (VCV000368592.53), dbSNP rs199826743, ClinGen allele CA10428272.
Genomic context (GRCh38, chrX:55,013,519, plus strand): 5'-CTGTAGGCACCCATGTTGAGAACTTACCCACAAAATCTTCCATCATCTGAGGGCTGTGGT[G>A]GGGGGAGGGTGCCAAGCGCAGGAGCTCTTCACCCCGGGGGACAGTTGGGTAGTTGATGGC-3'
Protein context (NP_000023.2, residues 513-533): EELLRLAPSP[His523Tyr]HSPQMMEDFV

ClinVar aggregate classification (germline): Conflicting classifications of pathogenicity. Review status: criteria provided, conflicting classifications (1 of 4 stars). 8 submissions from 8 submitters: Uncertain significance (3); Benign (1); Likely benign (4). Last evaluated 2026-01-18.

Conditions:
ALAS2-related disorder. Also called: ALAS2-related condition.
X-linked sideroblastic anemia 1. Also called: ANEMIA, SIDEROBLASTIC, 1, PYRIDOXINE REFRACTORY; Erythroid 5-aminolevulinate synthase deficiency; X chromosome-linked sideroblastic anemia; Anemia, sideroblastic, 1; Anemia, hereditary sideroblastic 1, pyridoxine refractory; X-linked pyridoxine-refractory sideroblastic anemia. Identifiers: Orphanet 75563, MedGen C4551511, MONDO:0020721, OMIM 300751. Disease mechanism: loss of function.
X-linked erythropoietic protoporphyria. Also called: X-Linked Protoporphyria; Erythropoietic Protoporphyria, X-Linked Dominant; ERYTHROHEPATIC PROTOPORPHYRIA, X-LINKED. Identifiers: Orphanet 443197, MedGen C2677889, MONDO:0010420, OMIM 300752.

Allele frequency attached by ClinVar (database versions not stated): TOPMed 0.00006.
gnomAD v4.1: 124 of 1,208,495 alleles (0.01%); highest among the groups gnomAD compares: Middle Eastern, 0.14%; no homozygotes.

Submissions (8):

Labcorp Genetics (formerly Invitae), Labcorp
Classification: Likely benign. Last evaluated: 2026-01-18. Review status: criteria provided, single submitter. Criteria: Invitae Variant Classification Sherloc (09022015). Collection method: clinical testing. Allele origin: germline.

PreventionGenetics, part of Exact Sciences
Classification: Likely benign for ALAS2-related condition. Last evaluated: 2025-02-26. Review status: criteria provided, single submitter. Criteria: ACMG Guidelines, 2015. Collection method: clinical testing. Allele origin: germline.
Comment: This variant is classified as likely benign based on ACMG/AMP sequence variant interpretation guidelines (Richards et al. 2015 PMID: 25741868, with internal and published modifications).

Blueprint Genetics
Classification: Likely benign. Last evaluated: 2024-09-06. Review status: criteria provided, single submitter. Criteria: ACMG Guidelines, 2015. Collection method: clinical testing. Allele origin: germline.

GeneDx
Classification: Uncertain significance. Last evaluated: 2024-08-14. Review status: criteria provided, single submitter. Criteria: GeneDx Variant Classification Process June 2021. Collection method: clinical testing. Allele origin: germline. Affected: yes.
Comment: In silico analysis supports that this missense variant has a deleterious effect on protein structure/function; Has not been previously published as pathogenic or benign to our knowledge; This variant is associated with the following publications: (PMID: 22980975)

Department of Pathology and Laboratory Medicine, Sinai Health System
Classification: Uncertain significance for X-linked erythropoietic protoporphyria. Last evaluated: 2022-04-08. Review status: criteria provided, single submitter. Criteria: ACMG Guidelines, 2015. Collection method: research. Allele origin: germline.

CeGaT Center for Human Genetics Tuebingen
Classification: Likely benign. Last evaluated: 2022-01-01. Review status: criteria provided, single submitter. Criteria: CeGaT Center For Human Genetics Tuebingen Variant Classification Criteria Version 2. Collection method: clinical testing. Allele origin: germline. Affected: yes. Observed: 1 variant allele.

Genetic Services Laboratory, University of Chicago
Classification: Uncertain significance. Last evaluated: 2019-10-07. Review status: criteria provided, single submitter. Criteria: ACMG Guidelines, 2015. Collection method: clinical testing. Allele origin: germline. Affected: no.

Illumina Laboratory Services, Illumina
Classification: Benign for X-linked sideroblastic anemia 1. Last evaluated: 2018-01-13. Review status: criteria provided, single submitter. Criteria: ICSL Variant Classification Criteria 13 December 2019. Collection method: clinical testing. Allele origin: germline.
Comment: This variant was observed in the ICSL laboratory as part of a predisposition screen in an ostensibly healthy population. It had not been previously curated by ICSL or reported in the Human Gene Mutation Database (HGMD: prior to June 1st, 2018), and was therefore a candidate for classification through an automated scoring system. Utilizing variant allele frequency, disease prevalence and penetrance estimates, and inheritance mode, an automated score was calculated to assess if this variant is too frequent to cause the disease. Based on the score and internal cut-off values, a variant classified as benign is not then subjected to further curation. The score for this variant resulted in a classification of benign for this disease.